The following is an entry in ClinVar:

ClinVar aggregate classification (germline): Uncertain significance (1 of 4 stars; one submission).

Conditions:
Sialuria. Also called: Sialic Acid Storage Disease; SIALURIA, FRENCH TYPE. Identifiers: Orphanet 3166, MedGen C0342853, MONDO:0010028, OMIM 269921.
GNE myopathy (NM). Also called: IBM 2; Inclusion body myopathy autosomal recessive; Inclusion body myopathy quadriceps sparing; NONAKA DISTAL MYOPATHY; INCLUSION BODY MYOPATHY, HEREDITARY, AUTOSOMAL RECESSIVE; INCLUSION BODY MYOPATHY 2, AUTOSOMAL RECESSIVE. Identifiers: Orphanet 602, MedGen C1853926, MONDO:0011603, OMIM 605820.

Submission:

Labcorp Genetics (formerly Invitae), Labcorp
Classification: Uncertain significance for Sialuria; GNE myopathy. Last evaluated: 2025-12-15. Review status: criteria provided, single submitter. Criteria: Invitae Variant Classification Sherloc (09022015). Collection method: clinical testing. Allele origin: germline.
Comment: This sequence change replaces aspartic acid, which is acidic and polar, with valine, which is neutral and non-polar, at codon 136 of the GNE protein (p.Asp136Val). This variant is not present in population databases (gnomAD no frequency). This variant has not been reported in the literature in individuals affected with GNE-related conditions. Invitae Evidence Modeling of protein sequence and biophysical properties (such as structural, functional, and spatial information, amino acid conservation, physicochemical variation, residue mobility, and thermodynamic stability) has been performed for this missense variant. However, the output from this modeling did not meet the statistical confidence thresholds required to predict the impact of this variant on GNE protein function. In summary, the available evidence is currently insufficient to determine the role of this variant in disease. Therefore, it has been classified as a Variant of Uncertain Significance.

NM_005476.7(GNE):c.314A>T (p.Asp105Val)

Gene: GNE (glucosamine (UDP-N-acetyl)-2-epimerase/N-acetylmannosamine kinase; minus strand). Cytogenetic location: 9p13.3.
Variant type: single nucleotide variant.
Coding change: c.314A>T on transcript NM_005476.7 (MANE Select); coding-DNA position 314, A replaced by T.
Protein change: p.Asp105Val; replaces aspartic acid 105 with valine.
Molecular consequence: missense variant.
Genome position (GRCh38, 1-based): chr9:36,246,333, T>A on the plus strand (A>T on the coding strand, the complement: GNE is on the minus strand). VCF-style: chr9-36246333-T-A. GRCh37 (hg19) VCF-style: chr9-36246330-T-A.
Other names: c.407A>T, p.Asp136Val (NM_001128227.3); c.314A>T, p.Asp105Val (NM_001190383.3, NM_001374797.1); c.137A>T, p.Asp46Val (NM_001190384.3, NM_001190388.2, NM_001374798.1); short protein forms D105V, D136V, D46V.
Identifiers: ClinVar variation 4782459 (VCV004782459.1).
Genomic context (GRCh38, chr9:36,246,333, plus strand): 5'-AAGGCAGCAGATGTGGCCAGAGCCAGGGCATCAAACCTGTCTCCATGAACAATCATGATA[T>A]CAGGCTTCAGGCGATTAAGGACATCTGGCAGCTTCACTAGGGCCAGGCCTACTGACTCCA-3'
Protein context (NP_005467.1, residues 95-115): LPDVLNRLKP[Asp105Val]IMIVHGDRFD